The following is an entry in ClinVar:

NM_015331.3(NCSTN):c.1060G>A (p.Val354Met)

Gene: NCSTN (nicastrin; plus strand). Cytogenetic location: 1q23.2.
Variant type: single nucleotide variant.
Coding change: c.1060G>A on transcript NM_015331.3 (MANE Select); coding-DNA position 1060, G replaced by A.
Protein change: p.Val354Met; replaces valine 354 with methionine.
Molecular consequence: missense variant.
Genome position (GRCh38, 1-based): chr1:160,352,950, G>A. VCF-style: chr1-160352950-G-A. GRCh37 (hg19) VCF-style: chr1-160322740-G-A.
Other names: c.1000G>A, p.Val334Met (NM_001290184.2); c.646G>A, p.Val216Met (NM_001290186.2); c.1060G>A, p.Val354Met (NM_001349729.2); short protein forms V334M, V354M, V216M.
Identifiers: ClinVar variation 2355388 (VCV002355388.4), dbSNP rs11547484, ClinGen allele CA1198883.

ClinVar aggregate classification (germline): Uncertain significance. Review status: criteria provided, multiple submitters, no conflicts (2 of 4 stars). 2 submissions from 2 submitters: Uncertain significance (2). Last evaluated 2025-12-15.

Conditions:
Inborn genetic diseases. Identifiers: MedGen C0950123, MeSH D030342.

Allele frequency attached by ClinVar (database versions not stated): ExAC 0.00002; TOPMed 0.00002.

Submissions (2):

Ambry Genetics
Classification: Uncertain significance for Inborn genetic diseases. Last evaluated: 2025-12-15. Review status: criteria provided, single submitter. Criteria: Ambry Variant Classification Scheme 2023. Collection method: clinical testing. Allele origin: germline.

Labcorp Genetics (formerly Invitae), Labcorp
Classification: Uncertain significance. Last evaluated: 2025-09-01. Review status: criteria provided, single submitter. Criteria: Invitae Variant Classification Sherloc (09022015). Collection method: clinical testing. Allele origin: germline.
Comment: This sequence change replaces valine, which is neutral and non-polar, with methionine, which is neutral and non-polar, at codon 354 of the NCSTN protein (p.Val354Met). This variant is present in population databases (rs11547484, gnomAD 0.02%). This variant has not been reported in the literature in individuals affected with NCSTN-related conditions. ClinVar contains an entry for this variant (Variation ID: 2355388). Invitae Evidence Modeling of protein sequence and biophysical properties (such as structural, functional, and spatial information, amino acid conservation, physicochemical variation, residue mobility, and thermodynamic stability) indicates that this missense variant is not expected to disrupt NCSTN protein function with a negative predictive value of 80%. In summary, the available evidence is currently insufficient to determine the role of this variant in disease. Therefore, it has been classified as a Variant of Uncertain Significance.